The following is an entry in ClinVar:

ClinVar aggregate classification (germline): Likely benign. Review status: criteria provided, multiple submitters, no conflicts (2 of 4 stars). 3 submissions from 3 submitters: Likely benign (2). 1 of the submissions does not count toward it. Last evaluated 2023-09-08.

Conditions:
Ulnar-mammary syndrome (UMS). Also called: PALLISTER ULNAR-MAMMARY SYNDROME; Ulnar-mammary syndrome of Pallister; SCHINZEL SYNDROME. Identifiers: Orphanet 3138, MedGen C1866994, MONDO:0008411, OMIM 181450.
TBX3-related disorder. Also called: TBX3-related condition.

Allele frequency attached by ClinVar (database versions not stated): gnomAD 0.00001; gnomAD exomes 0.00001; TOPMed 0.00002; ExAC 0.00003.
gnomAD v4.1: 21 of 1,592,986 alleles (0.0013%); highest among the groups gnomAD compares: Non-Finnish European, 0.0018%; no homozygotes.

Submissions (3):

Labcorp Genetics (formerly Invitae), Labcorp
Classification: Likely benign for Ulnar-mammary syndrome. Last evaluated: 2023-09-08. Review status: criteria provided, single submitter. Criteria: Invitae Variant Classification Sherloc (09022015). Collection method: clinical testing. Allele origin: germline.

Blueprint Genetics
Classification: Likely benign. Last evaluated: 2020-03-12. Review status: criteria provided, single submitter. Criteria: ACMG Guidelines, 2015. Collection method: clinical testing. Allele origin: germline.

PreventionGenetics, part of Exact Sciences
Classification: Likely benign for TBX3-related condition. Last evaluated: 2024-08-07. Review status: no assertion criteria provided. Collection method: clinical testing. Allele origin: germline. Not counted in ClinVar's aggregate classification.
Comment: This variant is classified as likely benign based on ACMG/AMP sequence variant interpretation guidelines (Richards et al. 2015 PMID: 25741868, with internal and published modifications).

NM_005996.4(TBX3):c.2076G>A (p.Ala692=)

Gene: TBX3 (T-box transcription factor 3; minus strand). Cytogenetic location: 12q24.21.
Variant type: single nucleotide variant.
Coding change: c.2076G>A on transcript NM_005996.4 (MANE Select); coding-DNA position 2076, G replaced by A.
Protein change: p.Ala692=; no amino-acid change (alanine 692 retained).
Molecular consequence: synonymous variant.
Genome position (GRCh38, 1-based): chr12:114,671,937, C>T on the plus strand (G>A on the coding strand, the complement: TBX3 is on the minus strand). VCF-style: chr12-114671937-C-T. GRCh37 (hg19) VCF-style: chr12-115109742-C-T.
Other names: c.2136G>A (NM_016569.3); c.2136G>A, p.Ala712= (NM_016569.4).
Identifiers: ClinVar variation 2721784 (VCV002721784.5), dbSNP rs760657438, ClinGen allele CA6809785.
Genomic context (GRCh38, chr12:114,671,937, plus strand): 5'-TTCCAAGCCGCTAACCAACCGCTGGATGCTCTGCAGTTCGCTGGTGGCCGCCTCTTTCTC[C>T]GCGCAGAGTTTGGGCGACAAGGACATGGAGCTGGAGGAGAGCGTGGAGGAGCGGCTGTTG-3'
Protein context (NP_005987.3, residues 682-702): SSMSLSPKLC[Ala692=]EKEAATSELQ